The following is an entry in ClinVar:

ClinVar aggregate classification (germline): Likely pathogenic (1 of 4 stars; one submission).

Conditions:
Cortical dysplasia, complex, with other brain malformations 10. Identifiers: MedGen C5231458, MONDO:0032866, OMIM 618677.

Submission:

Victorian Clinical Genetics Services, Murdoch Childrens Research Institute
Classification: Likely pathogenic for Cortical dysplasia, complex, with other brain malformations 10. Last evaluated: 2024-10-09. Review status: criteria provided, single submitter. Criteria: ACMG Guidelines, 2015. Collection method: clinical testing. Allele origin: germline. Inheritance: Autosomal recessive inheritance. Affected: yes.
Comment: Based on the classification scheme VCGS_Germline_v1.3.4, this variant is classified as Likely Pathogenic. Following criteria are met: 0102 - Loss of function is a known mechanism of disease in this gene and is associated with cortical dysplasia, complex, with other brain malformations 10 (MIM#618677). (I) 0106 - This gene is associated with autosomal recessive disease. (I) 0115 - Variants in this gene are known to have variable expressivity. Intra-familial variability has been reported (PMID: 31585108). (I) 0204 - Variant is predicted to result in a truncated protein (premature termination codon is NOT located at least 54 nucleotides upstream of the final exon-exon junction) with at least 1/3 of the protein sequence affected. (SP) 0252 - This variant is homozygous. (I) 0301 - Variant is absent from gnomAD (both v2 and v3). (SP) 0600 - Variant truncates the annotated APC repeat and SAMP motifs and the APC basic domain (DECIPHER). (I) 0702 - Other protein truncating variants comparable to the one identified in this case have strong previous evidence for pathogenicity. p.(Lys1734Glnfs*419) has been reported in two homozygous siblings with severe receptive and expressive language disorder and syndromic features (PMID: 25753423). p.(Pro1419Argfs*157) has been reported in one compound heterozygous individual with severe intellectual disability and delayed development (PMID: 31585108). In addition, p.(Arg1133*) has been reported once as likely pathogenic by a clinical laboratory, and p.(Pro1473Argfs*107) has been classified as a variant of uncertain significance without evidence supporting this classification (ClinVar). (I) 0905 - No published segregation evidence has been identified for this variant. (I) 1007 - No published functional evidence has been identified for this variant. (I) Legend: (SP) - Supporting pathogenic, (I) - Information, (SB) - Supporting benign

Literature cited by the submitters: PubMed 25753423; PubMed 31585108.

NM_005883.3(APC2):c.2931del (p.Glu977fs)

Gene: APC2 (APC regulator of WNT signaling pathway 2; plus strand). Cytogenetic location: 19p13.3.
Variant type: Deletion.
Coding change: c.2931del on transcript NM_005883.3 (MANE Select); coding-DNA position 2931, one base deleted (G; older notation c.2931delG).
Protein change: p.Glu977fs; shifts the reading frame from glutamic acid 977.
Molecular consequence: frameshift variant.
Genome position (GRCh38, 1-based): chr19:1,466,232, G deleted. VCF-style (leftmost placement, unchanged base first): chr19-1466231-AG-A. GRCh37 (hg19) VCF-style: chr19-1466230-AG-A.
Other names: c.2928del, p.Glu976fs (NM_001351273.1); short protein forms E976fs, E977fs.
Identifiers: ClinVar variation 3377276 (VCV003377276.1).